The following is an entry in ClinVar:

NM_001080421.3(UNC13A):c.1656G>A (p.Thr552=)

Gene: UNC13A (unc-13 homolog A; minus strand). Cytogenetic location: 19p13.11.
Variant type: single nucleotide variant.
Coding change: c.1656G>A on transcript NM_001080421.3 (MANE Select); coding-DNA position 1656, G replaced by A.
Protein change: p.Thr552=; no amino-acid change (threonine 552 retained).
Molecular consequence: synonymous variant.
Genome position (GRCh38, 1-based): chr19:17,648,591, C>T on the plus strand (G>A on the coding strand, the complement: UNC13A is on the minus strand). VCF-style: chr19-17648591-C-T. GRCh37 (hg19) VCF-style: chr19-17759400-C-T.
Other names: c.1650G>A, p.Thr550= (NM_001387021.1, NM_001387022.1, NM_001387023.1).
Identifiers: ClinVar variation 4977375 (VCV004977375.1).

ClinVar aggregate classification (germline): Likely benign (1 of 4 stars; one submission).

Conditions:
UNC13A-related disorder. Also called: UNC13A-related condition.

gnomAD v4.1: 41 of 1,613,650 alleles (0.0025%); highest among the groups gnomAD compares: Middle Eastern, 0.033%; no homozygotes.

Submission:

PreventionGenetics, part of Exact Sciences
Classification: Likely benign for UNC13A-related condition. Last evaluated: 2025-02-13. Review status: criteria provided, single submitter. Criteria: ACMG Guidelines, 2015. Collection method: clinical testing. Allele origin: germline.
Comment: This variant is classified as likely benign based on ACMG/AMP sequence variant interpretation guidelines (Richards et al. 2015 PMID: 25741868, with internal and published modifications).